The following is an entry in ClinVar:

ClinVar aggregate classification (germline): Uncertain significance (1 of 4 stars; one submission).

Conditions:
Autosomal dominant nonsyndromic hearing loss 65. Also called: Deafness, autosomal dominant 65; TBC1D24-Related Autosomal Dominant Nonsyndromic Hearing Loss (DFNA). Identifiers: Orphanet 90635, MedGen C3892048, MONDO:0014470, OMIM 616044.
Developmental and epileptic encephalopathy, 1 (DEE1). Also called: INFANTILE SPASM SYNDROME, X-LINKED 1; X-linked infantile spasms; West's syndrome; Tonic spasms with clustering, arrest of psychomotor development and hypsarrhythmia on EEG; X-Linked Infantile Spasm Syndrome; OHTAHARA SYNDROME, X-LINKED. Identifiers: MedGen C3463992, MONDO:0010632, OMIM 308350. Disease mechanism: loss of function.

Submission:

Labcorp Genetics (formerly Invitae), Labcorp
Classification: Uncertain significance for Developmental and epileptic encephalopathy, 1; Autosomal dominant nonsyndromic hearing loss 65. Last evaluated: 2025-01-05. Review status: criteria provided, single submitter. Criteria: Invitae Variant Classification Sherloc (09022015). Collection method: clinical testing. Allele origin: germline.
Comment: This sequence change replaces lysine, which is basic and polar, with glutamic acid, which is acidic and polar, at codon 116 of the TBC1D24 protein (p.Lys116Glu). This variant is not present in population databases (gnomAD no frequency). This variant has not been reported in the literature in individuals affected with TBC1D24-related conditions. Invitae Evidence Modeling of protein sequence and biophysical properties (such as structural, functional, and spatial information, amino acid conservation, physicochemical variation, residue mobility, and thermodynamic stability) has been performed for this missense variant. However, the output from this modeling did not meet the statistical confidence thresholds required to predict the impact of this variant on TBC1D24 protein function. In summary, the available evidence is currently insufficient to determine the role of this variant in disease. Therefore, it has been classified as a Variant of Uncertain Significance.

NM_001199107.2(TBC1D24):c.346A>G (p.Lys116Glu)

Gene: TBC1D24 (TBC1 domain family member 24; plus strand). Cytogenetic location: 16p13.3.
Variant type: single nucleotide variant.
Coding change: c.346A>G on transcript NM_001199107.2 (MANE Select); coding-DNA position 346, A replaced by G.
Protein change: p.Lys116Glu; replaces lysine 116 with glutamic acid.
Molecular consequence: missense variant.
Genome position (GRCh38, 1-based): chr16:2,496,494, A>G. VCF-style: chr16-2496494-A-G. GRCh37 (hg19) VCF-style: chr16-2546495-A-G.
Other names: c.346A>G, p.Lys116Glu (NM_020705.3); short protein forms K116E.
Identifiers: ClinVar variation 3756664 (VCV003756664.2).
Genomic context (GRCh38, chr16:2,496,494, plus strand): 5'-GTGGACAACACGCAGGTGCCCAGCTACTGCCTGAATGCACGCGGCGAGGGGGCCGTGCGC[A>G]AGATCCTCCTGTGCCTGGCCAACCAGTTCCCCGACATCTCCTTCTGCCCCGCCCTGCCGG-3'
Protein context (NP_001186036.1, residues 106-126): LNARGEGAVR[Lys116Glu]ILLCLANQFP